The following is an entry in ClinVar:

NM_004260.4(RECQL4):c.1735C>A (p.Leu579Met)

Gene: RECQL4 (RecQ like helicase 4; minus strand). Cytogenetic location: 8q24.3.
Variant type: single nucleotide variant.
Coding change: c.1735C>A on transcript NM_004260.4 (MANE Select); coding-DNA position 1735, C replaced by A.
Protein change: p.Leu579Met; replaces leucine 579 with methionine.
Molecular consequence: missense variant.
Genome position (GRCh38, 1-based): chr8:144,514,332, G>T on the plus strand (C>A on the coding strand, the complement: RECQL4 is on the minus strand). VCF-style: chr8-144514332-G-T. GRCh37 (hg19) VCF-style: chr8-145739716-G-T.
Other names: c.1639C>A, p.Leu547Met (NM_001413017.1, NM_001413020.1); c.1735C>A, p.Leu579Met (NM_001413018.1, NM_001413019.1, NM_001413036.1); c.664C>A, p.Leu222Met (NM_001413021.1, NM_001413022.1, NM_001413023.1 and 6 more transcripts); c.1606C>A, p.Leu536Met (NM_001413025.1); c.598C>A, p.Leu200Met (NM_001413027.1, NM_001413030.1, NM_001413032.1 and 1 more transcripts); c.634C>A, p.Leu212Met (NM_001413042.1); c.268C>A, p.Leu90Met (NM_001413043.1); c.1384C>A, p.Leu462Met (NM_001413029.1); and 1 more; short protein forms L212M, L569M, L200M, L222M, L462M, L547M, L90M, L536M.
Identifiers: ClinVar variation 1997399 (VCV001997399.4), dbSNP rs552226907, ClinGen allele CA372681173.

ClinVar aggregate classification (germline): Uncertain significance (1 of 4 stars; one submission).

Conditions:
Baller-Gerold syndrome (BGS). Also called: CRANIOSYNOSTOSIS WITH RADIAL DEFECTS. Identifiers: Orphanet 1225, MedGen C0265308, MONDO:0009039, OMIM 218600.

Submission:

Labcorp Genetics (formerly Invitae), Labcorp
Classification: Uncertain significance for Baller-Gerold syndrome. Last evaluated: 2022-05-21. Review status: criteria provided, single submitter. Criteria: Invitae Variant Classification Sherloc (09022015). Collection method: clinical testing. Allele origin: germline.
Comment: In summary, the available evidence is currently insufficient to determine the role of this variant in disease. Therefore, it has been classified as a Variant of Uncertain Significance. Experimental studies and prediction algorithms are not available or were not evaluated, and the functional significance of this variant is currently unknown. This variant has not been reported in the literature in individuals affected with RECQL4-related conditions. This variant is not present in population databases (gnomAD no frequency). This sequence change replaces leucine, which is neutral and non-polar, with methionine, which is neutral and non-polar, at codon 579 of the RECQL4 protein (p.Leu579Met).